The following is an entry in ClinVar:

NM_006306.4(SMC1A):c.2563-9T>A

Gene: SMC1A (structural maintenance of chromosomes 1A; minus strand). Cytogenetic location: Xp11.22.
Variant type: single nucleotide variant.
Coding change: c.2563-9T>A on transcript NM_006306.4 (MANE Select); 9 bases into the intron before coding-DNA position 2563, T replaced by A.
Molecular consequence: intron variant.
Genome position (GRCh38, 1-based): chrX:53,396,626, A>T on the plus strand (T>A on the coding strand, the complement: SMC1A is on the minus strand). VCF-style: chrX-53396626-A-T. GRCh37 (hg19) VCF-style: chrX-53423546-A-T.
Other names: c.2497-9T>A (NM_001281463.1).
Identifiers: ClinVar variation 4715240 (VCV004715240.1).

ClinVar aggregate classification (germline): Uncertain significance (1 of 4 stars; one submission).

Conditions:
Congenital muscular hypertrophy-cerebral syndrome (CDLS2). Also called: Cornelia de Lange syndrome 2; SMC1A-Related Cornelia de Lange Syndrome. Identifiers: Orphanet 199, MedGen C1802395, MONDO:0010370, OMIM 300590.

Submission:

Labcorp Genetics (formerly Invitae), Labcorp
Classification: Uncertain significance for Congenital muscular hypertrophy-cerebral syndrome. Last evaluated: 2025-03-16. Review status: criteria provided, single submitter. Criteria: Invitae Variant Classification Sherloc (09022015). Collection method: clinical testing. Allele origin: germline.
Comment: This sequence change falls in intron 16 of the SMC1A gene. It does not directly change the encoded amino acid sequence of the SMC1A protein. This variant is not present in population databases (gnomAD no frequency). This variant has not been reported in the literature in individuals affected with SMC1A-related conditions. Algorithms developed to predict the effect of sequence changes on RNA splicing suggest that this variant may disrupt the consensus splice site. In summary, the available evidence is currently insufficient to determine the role of this variant in disease. Therefore, it has been classified as a Variant of Uncertain Significance.